The following is an entry in ClinVar:

ClinVar aggregate classification (somatic clinical impact): Tier II - Potential (1 of 4 stars; one submission).

Conditions:
Rhabdomyosarcoma. Also called: Rhabdomyosarcoma (disease). Identifiers: Orphanet 780, MedGen C0035412, MeSH D012208, MONDO:0005212, HP:0002859.

gnomAD v4.1: 14 of 1,611,468 alleles (0.00087%); highest among the groups gnomAD compares: Non-Finnish European, 0.00093%; no homozygotes.

Submission:

Institute for Genomic Medicine (IGM) Clinical Laboratory, Nationwide Children's Hospital
Classification: Tier II - Potential for Rhabdomyosarcoma. Assertion type: diagnostic. Clinical significance: supports diagnosis. Last evaluated: 2024-06-24. Review status: criteria provided, single submitter. Criteria: AMP/ASCO/CAP Guidelines, 2017. Collection method: clinical testing. Allele origin: somatic. Affected: yes.
Comment: Variant has Tier II (potential) clinical significance as a diagnostic inclusion criterion in rhabdomyosarcoma, based on the following evidence: 1) Documented in one or more cancer databases (e.g., St. Jude Pecan, COSMIC, CIViC, OncoKB). 2) Assists in diagnosis alone or along with other biomarkers based on small studies or few case reports (Evidence Level D).

NM_002850.4(PTPRS):c.4475G>A (p.Arg1492Gln)

Gene: PTPRS (protein tyrosine phosphatase receptor type S; minus strand). Cytogenetic location: 19p13.3.
Variant type: single nucleotide variant.
Coding change: c.4475G>A on transcript NM_002850.4 (MANE Select); coding-DNA position 4475, G replaced by A.
Protein change: p.Arg1492Gln; replaces arginine 1492 with glutamine.
Molecular consequence: missense variant.
Genome position (GRCh38, 1-based): chr19:5,214,580, C>T on the plus strand (G>A on the coding strand, the complement: PTPRS is on the minus strand). VCF-style: chr19-5214580-C-T. GRCh37 (hg19) VCF-style: chr19-5214591-C-T.
Other names: c.4409G>A, p.Arg1470Gln (NM_001394011.1); c.4388G>A, p.Arg1463Gln (NM_001394012.1); c.4349G>A, p.Arg1450Gln (NM_001394013.1); c.3134G>A, p.Arg1045Gln (NM_130853.3); c.4361G>A, p.Arg1454Gln (NM_130854.3); c.3146G>A, p.Arg1049Gln (NM_130855.3); short protein forms R1045Q, R1049Q, R1450Q, R1454Q, R1463Q, R1470Q, R1492Q.
Identifiers: ClinVar variation 4530418 (VCV004530418.1).